The following is an entry in ClinVar:

ClinVar aggregate classification (germline): Uncertain significance (1 of 4 stars; one submission).

Conditions:
Arrhythmogenic cardiomyopathy with wooly hair and keratoderma. Also called: PALMOPLANTAR KERATODERMA WITH LEFT VENTRICULAR CARDIOMYOPATHY AND WOOLLY HAIR; Carvajal syndrome; Dilated cardiomyopathy with woolly hair and keratoderma; Arrhythmogenic cardiomyopathy with woolly hair and keratoderma. Identifiers: Orphanet 65282, MedGen C1854063, MONDO:0011581, OMIM 605676.
Arrhythmogenic right ventricular dysplasia 8 (ARVD8). Also called: Arrhythmogenic Right Ventricular Dysplasia/Cardiomyopathy 8; ARRHYTHMOGENIC RIGHT VENTRICULAR DYSPLASIA, FAMILIAL, 8; ARRHYTHMOGENIC RIGHT VENTRICULAR CARDIOMYOPATHY 8. Identifiers: MedGen C1843896, MONDO:0011831, OMIM 607450.

gnomAD v4.1: 1 of 1,614,222 alleles (0.000062%); highest among the groups gnomAD compares: Non-Finnish European, 0.000085%; no homozygotes.

Submission:

Labcorp Genetics (formerly Invitae), Labcorp
Classification: Uncertain significance for Arrhythmogenic cardiomyopathy with wooly hair and keratoderma; Arrhythmogenic right ventricular dysplasia 8. Last evaluated: 2025-02-19. Review status: criteria provided, single submitter. Criteria: Invitae Variant Classification Sherloc (09022015). Collection method: clinical testing. Allele origin: germline.
Comment: This sequence change replaces aspartic acid, which is acidic and polar, with histidine, which is basic and polar, at codon 2540 of the DSP protein (p.Asp2540His). This variant is not present in population databases (gnomAD no frequency). This variant has not been reported in the literature in individuals affected with DSP-related conditions. ClinVar contains an entry for this variant (Variation ID: 2939860). An algorithm developed to predict the effect of missense changes on protein structure and function (PolyPhen-2) suggests that this variant is likely to be disruptive. In summary, the available evidence is currently insufficient to determine the role of this variant in disease. Therefore, it has been classified as a Variant of Uncertain Significance.

NM_004415.4(DSP):c.7618G>C (p.Asp2540His)

Gene: DSP (desmoplakin; plus strand). Cytogenetic location: 6p24.3.
Variant type: single nucleotide variant.
Coding change: c.7618G>C on transcript NM_004415.4 (MANE Select); coding-DNA position 7618, G replaced by C.
Protein change: p.Asp2540His; replaces aspartic acid 2540 with histidine.
Molecular consequence: missense variant.
Genome position (GRCh38, 1-based): chr6:7,584,880, G>C. VCF-style: chr6-7584880-G-C. GRCh37 (hg19) VCF-style: chr6-7585113-G-C.
Other names: c.5821G>C, p.Asp1941His (NM_001008844.3); c.6289G>C, p.Asp2097His (NM_001319034.2); short protein forms D1941H, D2540H, D2097H.
Identifiers: ClinVar variation 2939860 (VCV002939860.3), dbSNP rs761136328, ClinGen allele CA362693405.